The following is an entry in ClinVar:

NM_004415.4(DSP):c.3868C>T (p.His1290Tyr)

Gene: DSP (desmoplakin; plus strand). Cytogenetic location: 6p24.3.
Variant type: single nucleotide variant.
Coding change: c.3868C>T on transcript NM_004415.4 (MANE Select); coding-DNA position 3868, C replaced by T.
Protein change: p.His1290Tyr; replaces histidine 1290 with tyrosine.
Molecular consequence: missense variant. On other transcripts: intron variant (1).
Genome position (GRCh38, 1-based): chr6:7,580,058, C>T. VCF-style: chr6-7580058-C-T. GRCh37 (hg19) VCF-style: chr6-7580291-C-T.
Other names: c.3868C>T, p.His1290Tyr (NM_001319034.2); c.3582+286C>T (NM_001008844.3); short protein forms H1290Y.
Identifiers: ClinVar variation 3505536 (VCV003505536.1).
Genomic context (GRCh38, chr6:7,580,058, plus strand): 5'-GCTGAAGAAAACGCCCTTCAGCAAAAGGCCTGTGGCTCTGAGATAATGCAGAAGAAGCAG[C>T]ATCTGGAGATAGAACTGAAGCAGGTCATGCAGCAGCGCTCTGAGGACAATGCCCGGCACA-3'
Protein context (NP_004406.2, residues 1280-1300): CGSEIMQKKQ[His1290Tyr]LEIELKQVMQ

ClinVar aggregate classification (germline): Uncertain significance (1 of 4 stars; one submission).

Conditions:
Cardiovascular phenotype. Identifiers: MedGen CN230736.

Submission:

Ambry Genetics
Classification: Uncertain significance for Cardiovascular phenotype. Last evaluated: 2024-12-05. Review status: criteria provided, single submitter. Criteria: Ambry Variant Classification Scheme 2023. Collection method: clinical testing. Allele origin: germline.
Comment: The p.H1290Y variant (also known as c.3868C>T), located in coding exon 23 of the DSP gene, results from a C to T substitution at nucleotide position 3868. The histidine at codon 1290 is replaced by tyrosine, an amino acid with similar properties. This amino acid position is conserved. In addition, this alteration is predicted to be tolerated by in silico analysis. Based on the available evidence, the clinical significance of this variant remains unclear.